The following is an entry in ClinVar:

ClinVar aggregate classification (germline): Uncertain significance (1 of 4 stars; one submission).

Conditions:
Adams-Oliver syndrome 5 (AOS5). Identifiers: Orphanet 974, MedGen C4014970, MONDO:0014459, OMIM 616028.

Allele frequency attached by ClinVar (database versions not stated): TOPMed below 0.00001; gnomAD 0.00001.

Submission:

Labcorp Genetics (formerly Invitae), Labcorp
Classification: Uncertain significance for Adams-Oliver syndrome 5. Last evaluated: 2025-12-15. Review status: criteria provided, single submitter. Criteria: Invitae Variant Classification Sherloc (09022015). Collection method: clinical testing. Allele origin: germline.
Comment: This sequence change replaces phenylalanine, which is neutral and non-polar, with cysteine, which is neutral and slightly polar, at codon 2066 of the NOTCH1 protein (p.Phe2066Cys). This variant is not present in population databases (gnomAD no frequency). This variant has not been reported in the literature in individuals affected with NOTCH1-related conditions. ClinVar contains an entry for this variant (Variation ID: 2840924). Invitae Evidence Modeling of protein sequence and biophysical properties (such as structural, functional, and spatial information, amino acid conservation, physicochemical variation, residue mobility, and thermodynamic stability) indicates that this missense variant is expected to disrupt NOTCH1 protein function with a positive predictive value of 80%. In summary, the available evidence is currently insufficient to determine the role of this variant in disease. Therefore, it has been classified as a Variant of Uncertain Significance.

NM_017617.5(NOTCH1):c.6197T>G (p.Phe2066Cys)

Gene: NOTCH1 (notch receptor 1; minus strand). Cytogenetic location: 9q34.3.
Variant type: single nucleotide variant.
Coding change: c.6197T>G on transcript NM_017617.5 (MANE Select); coding-DNA position 6197, T replaced by G.
Protein change: p.Phe2066Cys; replaces phenylalanine 2066 with cysteine.
Molecular consequence: missense variant.
Genome position (GRCh38, 1-based): chr9:136,497,542, A>C on the plus strand (T>G on the coding strand, the complement: NOTCH1 is on the minus strand). VCF-style: chr9-136497542-A-C. GRCh37 (hg19) VCF-style: chr9-139391994-A-C.
Other names: short protein forms F2066C.
Identifiers: ClinVar variation 2840924 (VCV002840924.3), dbSNP rs1842936930, ClinGen allele CA375632299.
Genomic context (GRCh38, chr9:136,497,542, plus strand): 5'-TTGGCAAAGTGGTCCAGCAGCACCTTGGCGGTCTCGTAGCTGCCCTCCCGGGCGGCCAGA[A>C]ACAGGGGTGTCTCCTCCTGGGGGATGAGGGCGGGGGCCGGTGAGGGGGGCCAGGCCAGGC-3'
Protein context (NP_060087.3, residues 2056-2076): MQNNREETPL[Phe2066Cys]LAAREGSYET